The following is an entry in ClinVar:

ClinVar aggregate classification (germline): Likely benign (1 of 4 stars; one submission).

Allele frequency attached by ClinVar (database versions not stated): 1000 Genomes Project 30x 0.00016; 1000 Genomes Project 0.00020; TOPMed 0.00189; gnomAD 0.00306.
gnomAD v4.1: 459 of 152,176 alleles (0.3%); highest among the groups gnomAD compares: Non-Finnish European, 0.44%; no homozygotes.

Submission:

GeneDx
Classification: Likely benign. Last evaluated: 2021-05-18. Review status: criteria provided, single submitter. Criteria: GeneDx Variant Classification Process June 2021. Collection method: clinical testing. Allele origin: germline. Affected: yes.
Comment: See Variant Classification Assertion Criteria.

NM_001277115.2(DNAH11):c.10026+154G>T

Gene: DNAH11 (dynein axonemal heavy chain 11; plus strand). Cytogenetic location: 7p15.3.
Variant type: single nucleotide variant.
Coding change: c.10026+154G>T on transcript NM_001277115.2 (MANE Select); 154 bases into the intron after coding-DNA position 10026, G replaced by T.
Molecular consequence: intron variant.
Genome position (GRCh38, 1-based): chr7:21,789,496, G>T. VCF-style: chr7-21789496-G-T. GRCh37 (hg19) VCF-style: chr7-21829114-G-T.
Identifiers: ClinVar variation 2501344 (VCV002501344.1), dbSNP rs17292557, ClinGen allele CA155095943.